The following is an entry in ClinVar:

ClinVar aggregate classification (germline): Uncertain significance (1 of 4 stars; one submission).

Conditions:
Autosomal dominant polycystic kidney disease. Identifiers: Orphanet 730, MedGen C0085413, MONDO:0004691.

Allele frequency attached by ClinVar (database versions not stated): gnomAD exomes below 0.00001.

Submission:

Labcorp Genetics (formerly Invitae), Labcorp
Classification: Uncertain significance for Autosomal dominant polycystic kidney disease. Last evaluated: 2022-12-07. Review status: criteria provided, single submitter. Criteria: Invitae Variant Classification Sherloc (09022015). Collection method: clinical testing. Allele origin: germline.
Comment: In summary, the available evidence is currently insufficient to determine the role of this variant in disease. Therefore, it has been classified as a Variant of Uncertain Significance. Variants that disrupt the consensus splice site are a relatively common cause of aberrant splicing (PMID: 17576681, 9536098). Algorithms developed to predict the effect of sequence changes on RNA splicing suggest that this variant may disrupt the consensus splice site. This variant has not been reported in the literature in individuals affected with PKD2-related conditions. This variant is not present in population databases (gnomAD no frequency). This sequence change falls in intron 13 of the PKD2 gene. It does not directly change the encoded amino acid sequence of the PKD2 protein. It affects a nucleotide within the consensus splice site.

Literature cited by the submitters: PubMed 17576681; PubMed 9536098.

NM_000297.4(PKD2):c.2522+2dup

Gene: PKD2 (polycystin 2, transient receptor potential cation channel; plus strand). Cytogenetic location: 4q22.1.
Variant type: Duplication.
Coding change: c.2522+2dup on transcript NM_000297.4 (MANE Select); the canonical splice donor site of the intron after coding-DNA position 2522, one base duplicated (T; older notation c.2522+2dupT).
Molecular consequence: splice donor variant.
Genome position (GRCh38, 1-based): chr4:88,068,063, T duplicated. VCF-style (leftmost placement, unchanged base first): chr4-88068062-G-GT. GRCh37 (hg19) VCF-style: chr4-88989214-G-GT.
Identifiers: ClinVar variation 2819236 (VCV002819236.3), dbSNP rs2475986947, ClinGen allele CA2671370916.